The following is an entry in ClinVar:

NM_017617.5(NOTCH1):c.3541T>C (p.Ser1181Pro)

Gene: NOTCH1 (notch receptor 1; minus strand). Cytogenetic location: 9q34.3.
Variant type: single nucleotide variant.
Coding change: c.3541T>C on transcript NM_017617.5 (MANE Select); coding-DNA position 3541, T replaced by C.
Protein change: p.Ser1181Pro; replaces serine 1181 with proline.
Molecular consequence: missense variant.
Genome position (GRCh38, 1-based): chr9:136,507,407, A>G on the plus strand (T>C on the coding strand, the complement: NOTCH1 is on the minus strand). VCF-style: chr9-136507407-A-G. GRCh37 (hg19) VCF-style: chr9-139401859-A-G.
Other names: short protein forms S1181P.
Identifiers: ClinVar variation 2734583 (VCV002734583.3), dbSNP rs2540441370, ClinGen allele CA375550047.

ClinVar aggregate classification (germline): Uncertain significance (1 of 4 stars; one submission).

Conditions:
Adams-Oliver syndrome 5 (AOS5). Identifiers: Orphanet 974, MedGen C4014970, MONDO:0014459, OMIM 616028.

Submission:

Labcorp Genetics (formerly Invitae), Labcorp
Classification: Uncertain significance for Adams-Oliver syndrome 5. Last evaluated: 2023-07-03. Review status: criteria provided, single submitter. Criteria: Invitae Variant Classification Sherloc (09022015). Collection method: clinical testing. Allele origin: germline.
Comment: This sequence change replaces serine, which is neutral and polar, with proline, which is neutral and non-polar, at codon 1181 of the NOTCH1 protein (p.Ser1181Pro). This variant is not present in population databases (gnomAD no frequency). This variant has not been reported in the literature in individuals affected with NOTCH1-related conditions. Advanced modeling of protein sequence and biophysical properties (such as structural, functional, and spatial information, amino acid conservation, physicochemical variation, residue mobility, and thermodynamic stability) performed at Invitae indicates that this missense variant is expected to disrupt NOTCH1 protein function. In summary, the available evidence is currently insufficient to determine the role of this variant in disease. Therefore, it has been classified as a Variant of Uncertain Significance.